The following is an entry in ClinVar:

NM_003001.5(SDHC):c.379C>A (p.His127Asn)

Gene: SDHC (succinate dehydrogenase complex subunit C; plus strand). Cytogenetic location: 1q23.3.
Variant type: single nucleotide variant.
Coding change: c.379C>A on transcript NM_003001.5 (MANE Select); coding-DNA position 379, C replaced by A.
Protein change: p.His127Asn; replaces histidine 127 with asparagine.
Molecular consequence: missense variant. On other transcripts: non-coding transcript variant (1), intron variant (3).
Genome position (GRCh38, 1-based): chr1:161,356,814, C>A. VCF-style: chr1-161356814-C-A. GRCh37 (hg19) VCF-style: chr1-161326604-C-A.
Other names: c.277C>A, p.His93Asn (NM_001035512.3); c.220C>A, p.His74Asn (NM_001035513.3); c.499C>A, p.His167Asn (NM_001407115.1); c.322C>A, p.His108Asn (NM_001407116.1); c.316C>A, p.His106Asn (NM_001407117.1); c.271C>A, p.His91Asn (NM_001407118.1); c.268C>A, p.His90Asn (NM_001407119.1, NM_001407120.1); c.242-5515C>A (NM_001035511.3); and 2 more; short protein forms H74N, H127N, H93N, H106N, H91N, H108N, H90N, H167N.
Identifiers: ClinVar variation 946938 (VCV000946938.11), dbSNP rs1485675090, ClinGen allele CA343456683.

ClinVar aggregate classification (germline): Likely pathogenic. Review status: criteria provided, multiple submitters, no conflicts (2 of 4 stars). 2 submissions from 2 submitters: Likely pathogenic (2). Last evaluated 2025-08-13.

Conditions:
Gastrointestinal stromal tumor. Also called: Gastrointestinal stromal tumor, somatic; Gastrointestinal stroma tumor. Identifiers: Orphanet 44890, MedGen C0238198, MeSH D046152, MONDO:0011719, OMIM 606764, HP:0100723.
Pheochromocytoma/paraganglioma syndrome 3. Also called: GLOMUS TUMORS, FAMILIAL, 3; SDHC-Related Hereditary Paraganglioma-Pheochromocytoma Syndrome; Paragangliomas 3; SDHC-Related Hereditary Paraganglioma-Pheochromocytoma Syndrome (Paragangliomas 3). Identifiers: Orphanet 29072, MedGen C1854336, MONDO:0011544, OMIM 605373.

Submissions (2):

Labcorp Genetics (formerly Invitae), Labcorp
Classification: Likely pathogenic for Pheochromocytoma/paraganglioma syndrome 3; Gastrointestinal stromal tumor. Last evaluated: 2025-08-13. Review status: criteria provided, single submitter. Criteria: Invitae Variant Classification Sherloc (09022015). Collection method: clinical testing. Allele origin: germline.
Comment: This sequence change replaces histidine, which is basic and polar, with asparagine, which is neutral and polar, at codon 127 of the SDHC protein (p.His127Asn). This variant is not present in population databases (gnomAD no frequency). This missense change has been observed in individual(s) with paraganglioma and/or pheochromocytoma (internal data). ClinVar contains an entry for this variant (Variation ID: 946938). Invitae Evidence Modeling of protein sequence and biophysical properties (such as structural, functional, and spatial information, amino acid conservation, physicochemical variation, residue mobility, and thermodynamic stability) indicates that this missense variant is expected to disrupt SDHC protein function with a positive predictive value of 95%. This variant disrupts the p.His127 amino acid residue in SDHC. Other variant(s) that disrupt this residue have been determined to be pathogenic (PMID: 22517557, 23666964, 24758179, 25494863, 30050099; internal data). This suggests that this residue is clinically significant, and that variants that disrupt this residue are likely to be disease-causing. In summary, the currently available evidence indicates that the variant is pathogenic, but additional data are needed to prove that conclusively. Therefore, this variant has been classified as Likely Pathogenic.

GeneDx
Classification: Likely pathogenic. Last evaluated: 2025-07-14. Review status: criteria provided, single submitter. Criteria: GeneDx Variant Classification Process June 2021. Collection method: clinical testing. Allele origin: germline. Affected: yes.
Comment: Not observed at significant frequency in large population cohorts (gnomAD); In silico analysis supports that this missense variant has a deleterious effect on protein structure/function; Has not been previously published as pathogenic or benign to our knowledge

Literature cited by the submitters: PubMed 22517557 (cited by Labcorp Genetics (formerly Invitae), Labcorp); PubMed 23666964 (cited by Labcorp Genetics (formerly Invitae), Labcorp); PubMed 24758179 (cited by Labcorp Genetics (formerly Invitae), Labcorp); PubMed 25494863 (cited by Labcorp Genetics (formerly Invitae), Labcorp); PubMed 30050099 (cited by Labcorp Genetics (formerly Invitae), Labcorp).